The following is an entry in ClinVar:

ClinVar aggregate classification (germline): Benign/Likely benign. Review status: criteria provided, multiple submitters, no conflicts (2 of 4 stars). 3 submissions from 3 submitters: Benign (1); Likely benign (1). 1 of the submissions does not count toward it. Last evaluated 2025-08-21.

Conditions:
SAMD11-related disorder. Also called: SAMD11-related condition.

Allele frequency attached by ClinVar (database versions not stated): ESP Exome Variant Server 0.00093; gnomAD 0.00125 and 0.00133; 1000 Genomes Project 30x 0.00156; 1000 Genomes Project 0.00160.
gnomAD v4.1: 332 of 1,557,910 alleles (0.021%); highest among the groups gnomAD compares: African/African-American, 0.4%; 1 homozygote.

Submissions (4):

Labcorp Genetics (formerly Invitae), Labcorp
Classification: Benign. Last evaluated: 2025-08-21. Review status: criteria provided, single submitter. Criteria: Invitae Variant Classification Sherloc (09022015). Collection method: clinical testing. Allele origin: germline.

Blueprint Genetics
Classification: Likely benign. Last evaluated: 2024-10-23. Review status: criteria provided, single submitter. Criteria: ACMG Guidelines, 2015. Collection method: clinical testing. Allele origin: germline.

PreventionGenetics, part of Exact Sciences
Classification: Likely benign for SAMD11-related condition. Last evaluated: 2020-02-19. Review status: no assertion criteria provided. Collection method: clinical testing. Allele origin: germline. Not counted in ClinVar's aggregate classification.
Comment: This variant is classified as likely benign based on ACMG/AMP sequence variant interpretation guidelines (Richards et al. 2015 PMID: 25741868, with internal and published modifications).

Dr. Peter K. Rogan Lab, Western University
No classification provided (evidence only). Condition: Familial cancer of breast. Review status: no classification provided. Collection method: in vitro. Allele origin: not applicable. Functional consequence: retained intron. Not counted in ClinVar's aggregate classification.

NM_001385641.1(SAMD11):c.2179-9C>G

Gene: SAMD11 (sterile alpha motif domain containing 11; plus strand). Cytogenetic location: 1p36.33.
Variant type: single nucleotide variant.
Coding change: c.2179-9C>G on transcript NM_001385641.1 (MANE Select); 9 bases into the intron before coding-DNA position 2179, C replaced by G.
Molecular consequence: intron variant.
Genome position (GRCh38, 1-based): chr1:943,689, C>G. VCF-style: chr1-943689-C-G. GRCh37 (hg19) VCF-style: chr1-879069-C-G.
Other names: c.2182-9C>G (NM_001385640.1); c.1690-9C>G (NM_152486.4, NM_152486.2).
Identifiers: ClinVar variation 1169212 (VCV001169212.13), dbSNP rs375430553, ClinGen allele CA503236.